The following is an entry in ClinVar:

NM_000492.4(CFTR):c.2502dup (p.Asp835Ter)

Gene: CFTR (CF transmembrane conductance regulator; plus strand). Cytogenetic location: 7q31.2.
Variant type: Duplication.
Coding change: c.2502dup on transcript NM_000492.4 (MANE Select); coding-DNA position 2502, one base duplicated (T; older notation c.2502dupT).
Protein change: p.Asp835Ter; replaces aspartic acid 835 with a stop codon.
Molecular consequence: nonsense.
Genome position (GRCh38, 1-based): chr7:117,594,941, T duplicated; the last of 6 consecutive T bases (chr7:117,594,936-117,594,941); duplicating any one gives the same sequence. VCF-style (leftmost placement, unchanged base first): chr7-117594935-C-CT. GRCh37 (hg19) VCF-style: chr7-117234989-C-CT.
Other names: p.Asp835X; c.2502dupT (NM_000492.3, NM_000492.4); c.2502_2503insT (NM_000492.3); short protein forms D835*.
Identifiers: ClinVar variation 53503 (VCV000053503.5), dbSNP rs397508389, ClinGen allele CA326834.
Genomic context (GRCh38, chr7:117,594,935, plus strand): 5'-ATGGTGGCATGAAACTGTACTGTCTTATTGTAATAGCCATAATTCTTTTATTCAGGAGTG[C>CT]TTTTTTGATGATATGGAGAGCATACCAGCAGTGACTACATGGAACACATACCTTCGATAT-3'

ClinVar aggregate classification (germline): Pathogenic. Review status: reviewed by expert panel (3 of 4 stars). 5 submissions from 5 submitters: Pathogenic (1). 4 of the submissions do not count toward it. Last evaluated 2021-09-24.

Conditions:
CFTR-related disorder (CFTR-RD). Also called: CFTR-related condition; CFTR-related disorders. Identifiers: MedGen C5924204, MONDO:7770004.
Congenital bilateral aplasia of vas deferens from CFTR mutation (CBAVD). Identifiers: Orphanet 48, MedGen C0403814, MONDO:0010178, OMIM 277180. Disease mechanism: loss of function.
Cystic fibrosis (CF). Also called: MUCOVISCIDOSIS. Identifiers: Orphanet 586, MedGen C0010674, MONDO:0009061, OMIM 219700. Disease mechanism: loss of function.

Submissions (5):

CFTR2
Classification: Pathogenic for Cystic fibrosis. Last evaluated: 2021-09-24. Review status: reviewed by expert panel. Criteria: Submitter's publication and website. Collection method: research. Allele origin: germline. Affected: yes.

Women's Health and Genetics/Laboratory Corporation of America, LabCorp
Classification: Pathogenic for Cystic fibrosis. Last evaluated: 2024-04-23. Review status: criteria provided, single submitter. Criteria: LabCorp Variant Classification Summary - May 2015. Collection method: clinical testing. Allele origin: germline. Not counted in ClinVar's aggregate classification.
Comment: Variant summary: CFTR c.2502dupT (p.Asp835X) results in a premature termination codon, predicted to cause a truncation of the encoded protein or absence of the protein due to nonsense mediated decay, which is a commonly known mechanism for disease. The variant was absent in 1613160 control chromosomes (gnomAD v4.1). c.2502dupT has been reported in the literature in individuals affected with Cystic Fibrosis (e.g. Soltysova_2017). The following publication has been ascertained in the context of this evaluation (PMID: 28544683). ClinVar contains an entry for this variant (Variation ID: 53503). Based on the evidence outlined above, the variant was classified as pathogenic.

CFTR-France
Classification: Pathogenic for cystic fibrosis. Last evaluated: 2018-01-29. Review status: criteria provided, single submitter. Criteria: Claustres M et al. (Hum Mutat 2017). Collection method: curation. Allele origin: germline. Affected: yes. Not counted in ClinVar's aggregate classification.

Baylor Genetics
Classification: Pathogenic for Congenital bilateral aplasia of vas deferens from CFTR mutation; Cystic fibrosis. Review status: criteria provided, single submitter. Criteria: ACMG Guidelines, 2015. Collection method: clinical testing. Allele origin: germline. Not counted in ClinVar's aggregate classification.

Natera, Inc.
Classification: Pathogenic for CFTR-related disorders. Last evaluated: 2017-03-17. Review status: no assertion criteria provided. Collection method: clinical testing. Allele origin: germline. Not counted in ClinVar's aggregate classification.

Literature cited by the submitters: PubMed 28544683 (cited by Women's Health and Genetics/Laboratory Corporation of America, LabCorp).